The following is an entry in ClinVar:

NM_001001548.3(CD36):c.1163A>T (p.Gln388Leu)

Gene: CD36 (CD36 molecule (CD36 blood group); plus strand). Cytogenetic location: 7q21.11.
Variant type: single nucleotide variant.
Coding change: c.1163A>T on transcript NM_001001548.3 (MANE Select); coding-DNA position 1163, A replaced by T.
Protein change: p.Gln388Leu; replaces glutamine 388 with leucine.
Molecular consequence: missense variant. On other transcripts: non-coding transcript variant (1).
Genome position (GRCh38, 1-based): chr7:80,672,807, A>T. VCF-style: chr7-80672807-A-T. GRCh37 (hg19) VCF-style: chr7-80302123-A-T.
Other names: c.1163A>T, p.Gln388Leu (NM_000072.3, NM_001001547.3, NM_001127443.2 and 5 more transcripts); c.698A>T, p.Gln233Leu (NM_001371081.1, NM_001371080.1); c.1046A>T, p.Gln349Leu (NM_001289908.1); c.983A>T, p.Gln328Leu (NM_001289909.1); c.935A>T, p.Gln312Leu (NM_001289911.2); c.1061A>T, p.Gln354Leu (NM_001371079.1); short protein forms Q312L, Q328L, Q233L, Q354L, Q349L, Q388L.
Identifiers: ClinVar variation 909860 (VCV000909860.6), dbSNP rs201355711, ClinGen allele CA4315642.

ClinVar aggregate classification (germline): Uncertain significance. Review status: criteria provided, multiple submitters, no conflicts (2 of 4 stars). 2 submissions from 2 submitters: Uncertain significance (2). Last evaluated 2017-04-27.

Conditions:
Platelet-type bleeding disorder 10. Also called: CD36 DEFICIENCY. Identifiers: MedGen C1842090, MONDO:0012031, OMIM 608404.
Coronary heart disease, susceptibility to, 7. Identifiers: MedGen C1970441, MONDO:0012585, OMIM 610938.
Malaria, susceptibility to. Identifiers: Orphanet 673, MedGen C1970028, MONDO:0021024, OMIM 611162.

Allele frequency attached by ClinVar (database versions not stated): ExAC 0.00047; TOPMed 0.00014; 1000 Genomes Project 30x 0.00031; 1000 Genomes Project 0.00040; gnomAD exomes 0.00041.
gnomAD v4.1: 114 of 1,611,174 alleles (0.0071%); highest among the groups gnomAD compares: East Asian, 0.24%; no homozygotes.

Submissions (2):

Illumina Laboratory Services, Illumina
Classification: Uncertain significance for Platelet-type bleeding disorder 10. Last evaluated: 2017-04-27. Review status: criteria provided, single submitter. Criteria: ICSL Variant Classification Criteria 13 December 2019. Collection method: clinical testing. Allele origin: germline.
Comment: This variant was observed as part of a predisposition screen in an ostensibly healthy population. A literature search was performed for the gene, cDNA change, and amino acid change (where applicable). Publications were found based on this search. However, the evidence from the literature, in combination with allele frequency data from public databases where available, was not sufficient to rule this variant in or out of causing disease. Therefore, this variant is classified as a variant of unknown significance.

Juno Genomics, Hangzhou Juno Genomics, Inc
Classification: Uncertain significance for Coronary heart disease, susceptibility to, 7; Malaria, susceptibility to; Platelet-type bleeding disorder 10. Review status: criteria provided, single submitter. Criteria: ACMG Guidelines, 2015. Collection method: clinical testing. Allele origin: germline.
Comment: Multiple lines of computational evidence support a deleterious effect on the gene or gene product.;For recessive disorders, detected in trans with a pathogenic variant.;Patient's phenotype or family history is highly specific for a disease with a single genetic etiology.;Observed in a healthy adult individual for a recessive/dominant/X-linked disorder with full penetrance.

Literature cited by the submitters: PubMed 25330908 (cited by Illumina Laboratory Services, Illumina); PubMed 24960640 (cited by Illumina Laboratory Services, Illumina).